The following is an entry in ClinVar:

ClinVar aggregate classification (germline): Benign/Likely benign. Review status: criteria provided, multiple submitters, no conflicts (2 of 4 stars). 8 submissions from 8 submitters: Benign (5); Likely benign (1). 2 of the submissions do not count toward it. Last evaluated 2026-02-04.

Conditions:
Sucrase-isomaltase deficiency (CSID). Also called: Congenital sucrose isomaltose malabsorption; Sucrose isomaltose enzyme deficiency; SI DEFICIENCY; Deficiency of isomaltase. Identifiers: Orphanet 35122, MedGen C1283620, MONDO:0009114, OMIM 222900.

Allele frequency attached by ClinVar (database versions not stated): ESP Exome Variant Server 0.56066; TOPMed 0.57777; gnomAD 0.57783 and 0.58134; gnomAD exomes 0.59920 and 0.61966; 1000 Genomes Project 30x 0.61102; ExAC 0.61384; 1000 Genomes Project 0.61721.
gnomAD v4.1: 960,208 of 1,606,382 alleles (60%); highest among the groups gnomAD compares: East Asian, 83%; 290,014 homozygotes.

Submissions (8):

Labcorp Genetics (formerly Invitae), Labcorp
Classification: Benign. Last evaluated: 2026-02-04. Review status: criteria provided, single submitter. Criteria: Invitae Variant Classification Sherloc (09022015). Collection method: clinical testing. Allele origin: germline.

Blueprint Genetics
Classification: Likely benign. Last evaluated: 2024-11-26. Review status: criteria provided, single submitter. Criteria: ACMG Guidelines, 2015. Collection method: clinical testing. Allele origin: germline.

Genome-Nilou Lab
Classification: Benign for Sucrase-isomaltase deficiency. Last evaluated: 2021-07-15. Review status: criteria provided, single submitter. Criteria: ACMG Guidelines, 2015. Collection method: clinical testing. Allele origin: germline. Affected: no.

GeneDx
Classification: Benign. Last evaluated: 2018-07-27. Review status: criteria provided, single submitter. Criteria: GeneDx Variant Classification Process June 2021. Collection method: clinical testing. Allele origin: germline. Affected: yes.

Illumina Laboratory Services, Illumina
Classification: Benign for Sucrase-isomaltase deficiency. Last evaluated: 2018-01-12. Review status: criteria provided, single submitter. Criteria: ICSL Variant Classification Criteria 13 December 2019. Collection method: clinical testing. Allele origin: germline.
Comment: This variant was observed in the ICSL laboratory as part of a predisposition screen in an ostensibly healthy population. It had not been previously curated by ICSL or reported in the Human Gene Mutation Database (HGMD: prior to June 1st, 2018), and was therefore a candidate for classification through an automated scoring system. Utilizing variant allele frequency, disease prevalence and penetrance estimates, and inheritance mode, an automated score was calculated to assess if this variant is too frequent to cause the disease. Based on the score and internal cut-off values, a variant classified as benign is not then subjected to further curation. The score for this variant resulted in a classification of benign for this disease.

Breakthrough Genomics
Classification: Benign. Review status: criteria provided, single submitter. Criteria: ACMG Guidelines, 2015. Collection method: not provided. Allele origin: germline. Inheritance: Autosomal recessive inheritance. Affected: yes.

Diagnostic Laboratory, Department of Genetics, University Medical Center Groningen
Classification: Benign. Review status: no assertion criteria provided. Collection method: clinical testing. Allele origin: germline. Affected: yes. Study: VKGL Data-share Consensus. Not counted in ClinVar's aggregate classification.

Joint Genome Diagnostic Labs from Nijmegen and Maastricht, Radboudumc and MUMC+
Classification: Benign. Review status: no assertion criteria provided. Collection method: clinical testing. Allele origin: germline. Affected: yes. Study: VKGL Data-share Consensus. Not counted in ClinVar's aggregate classification.

NM_001041.4(SI):c.1146+13A>C

Gene: SI (sucrase-isomaltase; minus strand). Cytogenetic location: 3q26.1.
Variant type: single nucleotide variant.
Coding change: c.1146+13A>C on transcript NM_001041.4 (MANE Select); 13 bases into the intron after coding-DNA position 1146, A replaced by C.
Molecular consequence: intron variant.
Genome position (GRCh38, 1-based): chr3:165,059,889, T>G on the plus strand (A>C on the coding strand, the complement: SI is on the minus strand). VCF-style: chr3-165059889-T-G. GRCh37 (hg19) VCF-style: chr3-164777677-T-G.
Identifiers: ClinVar variation 344059 (VCV000344059.26), dbSNP rs9290259, ClinGen allele CA2691180.